The following is an entry in ClinVar:

ClinVar aggregate classification (germline): Uncertain significance. Review status: criteria provided, multiple submitters, no conflicts (2 of 4 stars). 2 submissions from 2 submitters: Uncertain significance (2). Last evaluated 2026-04-21.

Conditions:
Early-infantile DEE. Also called: Ohtahara syndrome; Early infantile epileptic encephalopathy; Early infantile epileptic encephalopathy with suppression bursts. Identifiers: Orphanet 1934, MedGen C0393706, MONDO:0800491.

Allele frequency attached by ClinVar (database versions not stated): TOPMed 0.00001; gnomAD exomes below 0.00001.
gnomAD v4.1: 4 of 1,614,128 alleles (0.00025%); highest among the groups gnomAD compares: Non-Finnish European, 0.00034%; no homozygotes.

Submissions (2):

GeneDx
Classification: Uncertain significance. Last evaluated: 2026-04-21. Review status: criteria provided, single submitter. Criteria: GeneDx Variant Classification Process June 2021. Collection method: clinical testing. Allele origin: germline.
Comment: Not observed at significant frequency in large population cohorts (gnomAD); In silico analysis supports that this missense variant has a deleterious effect on protein structure/function; Has not been previously published as pathogenic or benign to our knowledge; This substitution is predicted to be within the cytoplasmic loop between the first and second homologous domains

Labcorp Genetics (formerly Invitae), Labcorp
Classification: Uncertain significance for Early-infantile DEE. Last evaluated: 2024-03-17. Review status: criteria provided, single submitter. Criteria: Invitae Variant Classification Sherloc (09022015). Collection method: clinical testing. Allele origin: germline.
Comment: This sequence change replaces alanine, which is neutral and non-polar, with threonine, which is neutral and polar, at codon 591 of the SCN1A protein (p.Ala591Thr). This variant is not present in population databases (gnomAD no frequency). This missense change has been observed in individual(s) with clinical features of SCN1A-related conditions (Invitae). ClinVar contains an entry for this variant (Variation ID: 1001547). Advanced modeling of protein sequence and biophysical properties (such as structural, functional, and spatial information, amino acid conservation, physicochemical variation, residue mobility, and thermodynamic stability) performed at Invitae indicates that this missense variant is expected to disrupt SCN1A protein function with a positive predictive value of 95%. In summary, the available evidence is currently insufficient to determine the role of this variant in disease. Therefore, it has been classified as a Variant of Uncertain Significance.

NM_001165963.4(SCN1A):c.1771G>A (p.Ala591Thr)

Gene: SCN1A (sodium voltage-gated channel alpha subunit 1; minus strand). Cytogenetic location: 2q24.3.
Variant type: single nucleotide variant.
Coding change: c.1771G>A on transcript NM_001165963.4 (MANE Select); coding-DNA position 1771, G replaced by A.
Protein change: p.Ala591Thr; replaces alanine 591 with threonine.
Molecular consequence: missense variant. On other transcripts: 5 prime UTR variant (1), non-coding transcript variant (1).
Genome position (GRCh38, 1-based): chr2:166,043,941, C>T on the plus strand (G>A on the coding strand, the complement: SCN1A is on the minus strand). VCF-style: chr2-166043941-C-T. GRCh37 (hg19) VCF-style: chr2-166900451-C-T.
Other names: c.1771G>A, p.Ala591Thr (NM_001165964.3, NM_001202435.3, NM_001353948.2 and 7 more transcripts); c.1768G>A, p.Ala590Thr (NM_001353954.2, NM_001353955.2, NM_001353960.2); c.-655G>A (NM_001353961.2); c.1771G>A (NM_001165963.1); short protein forms A590T, A591T.
Identifiers: ClinVar variation 1001547 (VCV001001547.8), dbSNP rs1437209028, ClinGen allele CA349067756.
Genomic context (GRCh38, chr2:166,043,941, plus strand): 5'-GCACAAACAAGGAATCTCTACGGCTCTCGTTATCCTCAAAGGTGCTGTGCTCATCATCTG[C>T]GAAGTCGTTCTCAGATCCCACATCCTTTGCTCGCCCTCTAAAGCTGAAAAGGCTTGTTCT-3'
Protein context (NP_001159435.1, residues 581-601): AKDVGSENDF[Ala591Thr]DDEHSTFEDN